The following is an entry in ClinVar:

ClinVar aggregate classification (germline): Uncertain significance (1 of 4 stars; one submission).

Conditions:
Dystonic disorder. Also called: Dystonia. Identifiers: MedGen C0013421, MONDO:0003441, HP:0001332.

gnomAD v4.1: 32 of 1,613,020 alleles (0.002%); highest among the groups gnomAD compares: Non-Finnish European, 0.0026%; no homozygotes.

Submission:

Labcorp Genetics (formerly Invitae), Labcorp
Classification: Uncertain significance for Dystonic disorder. Last evaluated: 2025-03-31. Review status: criteria provided, single submitter. Criteria: Invitae Variant Classification Sherloc (09022015). Collection method: clinical testing. Allele origin: germline.
Comment: This sequence change replaces valine, which is neutral and non-polar, with isoleucine, which is neutral and non-polar, at codon 664 of the ANO3 protein (p.Val664Ile). This variant is present in population databases (rs147713976, gnomAD 0.003%). This variant has not been reported in the literature in individuals affected with ANO3-related conditions. Invitae Evidence Modeling of protein sequence and biophysical properties (such as structural, functional, and spatial information, amino acid conservation, physicochemical variation, residue mobility, and thermodynamic stability) indicates that this missense variant is not expected to disrupt ANO3 protein function with a negative predictive value of 95%. In summary, the available evidence is currently insufficient to determine the role of this variant in disease. Therefore, it has been classified as a Variant of Uncertain Significance.

NM_031418.4(ANO3):c.1990G>A (p.Val664Ile)

Gene: ANO3 (anoctamin 3; plus strand). Cytogenetic location: 11p14.2.
Variant type: single nucleotide variant.
Coding change: c.1990G>A on transcript NM_031418.4 (MANE Select); coding-DNA position 1990, G replaced by A.
Protein change: p.Val664Ile; replaces valine 664 with isoleucine.
Molecular consequence: missense variant.
Genome position (GRCh38, 1-based): chr11:26,635,017, G>A. VCF-style: chr11-26635017-G-A. GRCh37 (hg19) VCF-style: chr11-26656564-G-A.
Other names: c.2173G>A, p.Val725Ile (NM_001313726.2); c.1552G>A, p.Val518Ile (NM_001313727.2); short protein forms V518I, V664I, V725I.
Identifiers: ClinVar variation 4697163 (VCV004697163.1).